The following is an entry in ClinVar:

ClinVar aggregate classification (germline): Uncertain significance (1 of 4 stars; one submission).

Allele frequency attached by ClinVar (database versions not stated): gnomAD exomes below 0.00001; TOPMed 0.00001.
gnomAD v4.1: 2 of 1,614,108 alleles (0.00012%); highest among the groups gnomAD compares: Non-Finnish European, 0.00017%; no homozygotes.

Submission:

Labcorp Genetics (formerly Invitae), Labcorp
Classification: Uncertain significance. Last evaluated: 2022-02-22. Review status: criteria provided, single submitter. Criteria: Invitae Variant Classification Sherloc (09022015). Collection method: clinical testing. Allele origin: germline.
Comment: This sequence change replaces glycine, which is neutral and non-polar, with glutamic acid, which is acidic and polar, at codon 844 of the VPS13D protein (p.Gly844Glu). This variant is not present in population databases (gnomAD no frequency). This variant has not been reported in the literature in individuals affected with VPS13D-related conditions. Algorithms developed to predict the effect of missense changes on protein structure and function are either unavailable or do not agree on the potential impact of this missense change (SIFT: "Not Available"; PolyPhen-2: "Probably Damaging"; Align-GVGD: "Not Available"). In summary, the available evidence is currently insufficient to determine the role of this variant in disease. Therefore, it has been classified as a Variant of Uncertain Significance.

NM_015378.4(VPS13D):c.2531G>A (p.Gly844Glu)

Gene: VPS13D (vacuolar protein sorting 13 homolog D; plus strand). Cytogenetic location: 1p36.22.
Variant type: single nucleotide variant.
Coding change: c.2531G>A on transcript NM_015378.4 (MANE Select); coding-DNA position 2531, G replaced by A.
Protein change: p.Gly844Glu; replaces glycine 844 with glutamic acid.
Molecular consequence: missense variant.
Genome position (GRCh38, 1-based): chr1:12,276,119, G>A. VCF-style: chr1-12276119-G-A. GRCh37 (hg19) VCF-style: chr1-12336176-G-A.
Other names: c.2531G>A, p.Gly844Glu (NM_018156.4); short protein forms G844E.
Identifiers: ClinVar variation 2102228 (VCV002102228.4), dbSNP rs1288933096, ClinGen allele CA338471974.
Genomic context (GRCh38, chr1:12,276,119, plus strand): 5'-TCCAGATCATGGTTGGACGAGTGAAAGACAATTGGAAGCATGTCCAGGATATTGACGTGG[G>A]ACCAACACATGTGGTAGAGAAGTTCAACGTTCACCTACAGTTAGAGCGTCGATTGATTTA-3'
Protein context (NP_056193.2, residues 834-854): NWKHVQDIDV[Gly844Glu]PTHVVEKFNV